The following is an entry in ClinVar:

NM_001261826.3(AP3D1):c.2537A>G (p.Lys846Arg)

Gene: AP3D1 (adaptor related protein complex 3 subunit delta 1; minus strand). Cytogenetic location: 19p13.3.
Variant type: single nucleotide variant.
Coding change: c.2537A>G on transcript NM_001261826.3 (MANE Select); coding-DNA position 2537, A replaced by G.
Protein change: p.Lys846Arg; replaces lysine 846 with arginine.
Molecular consequence: missense variant.
Genome position (GRCh38, 1-based): chr19:2,114,189, T>C on the plus strand (A>G on the coding strand, the complement: AP3D1 is on the minus strand). VCF-style: chr19-2114189-T-C. GRCh37 (hg19) VCF-style: chr19-2114188-T-C.
Other names: c.2537A>G, p.Lys846Arg (NM_001374799.1, NM_003938.8); short protein forms K846R.
Identifiers: ClinVar variation 3722787 (VCV003722787.2).
Genomic context (GRCh38, chr19:2,114,189, plus strand): 5'-TTCTCCTTCTCCTTCTTCTTCTCCTTGTCTCTCTCTTTCTCTTTGTGTTTTTTCTCTTTC[T>C]TCTTGGGTTTCTTGCTCTTCTTTTCTACCATGGGAACGTCCTTCTCAGGGGATTTTGAGG-3'
Protein context (NP_001248755.1, residues 836-856): MVEKKSKKPK[Lys846Arg]KEKKHKEKER

ClinVar aggregate classification (germline): Uncertain significance (1 of 4 stars; one submission).

Submission:

Labcorp Genetics (formerly Invitae), Labcorp
Classification: Uncertain significance. Last evaluated: 2024-10-12. Review status: criteria provided, single submitter. Criteria: Invitae Variant Classification Sherloc (09022015). Collection method: clinical testing. Allele origin: germline.
Comment: This sequence change replaces lysine, which is basic and polar, with arginine, which is basic and polar, at codon 846 of the AP3D1 protein (p.Lys846Arg). This variant is not present in population databases (gnomAD no frequency). This variant has not been reported in the literature in individuals affected with AP3D1-related conditions. An algorithm developed to predict the effect of missense changes on protein structure and function (PolyPhen-2) suggests that this variant is likely to be disruptive. In summary, the available evidence is currently insufficient to determine the role of this variant in disease. Therefore, it has been classified as a Variant of Uncertain Significance.